The following is an entry in ClinVar:

NM_000218.3(KCNQ1):c.1073A>C (p.Lys358Thr)

Gene: KCNQ1 (potassium voltage-gated channel subfamily Q member 1; plus strand). Cytogenetic location: 11p15.5.
Variant type: single nucleotide variant.
Coding change: c.1073A>C on transcript NM_000218.3 (MANE Select); coding-DNA position 1073, A replaced by C.
Protein change: p.Lys358Thr; replaces lysine 358 with threonine.
Molecular consequence: missense variant.
Genome position (GRCh38, 1-based): chr11:2,585,252, A>C. VCF-style: chr11-2585252-A-C. GRCh37 (hg19) VCF-style: chr11-2606482-A-C.
Other names: c.803A>C, p.Lys268Thr (NM_001406837.1); c.692A>C, p.Lys231Thr (NM_181798.2); short protein forms K358T, K268T, K231T.
Identifiers: ClinVar variation 1784029 (VCV001784029.3), dbSNP rs1419358292, ClinGen allele CA379133755.
Genomic context (GRCh38, chr11:2,585,252, plus strand): 5'-TCCTGTCCATTCCTTCCCAGGGGATTCTTGGCTCGGGGTTTGCCCTGAAGGTGCAGCAGA[A>C]GCAGAGGCAGAAGCACTTCAACCGGCAGATCCCGGCGGCAGCCTCACTCATTCAGGTGCG-3'
Protein context (NP_000209.2, residues 348-368): GSGFALKVQQ[Lys358Thr]QRQKHFNRQI

ClinVar aggregate classification (germline): Uncertain significance. Review status: criteria provided, multiple submitters, no conflicts (2 of 4 stars). 2 submissions from 2 submitters: Uncertain significance (2). Last evaluated 2025-07-09.

Conditions:
Cardiac arrhythmia. Also called: Arrhythmia; Cardiac rhythm disease. Identifiers: MedGen C0003811, MONDO:0007263, HP:0011675.
Cardiovascular phenotype. Identifiers: MedGen CN230736.

Allele frequency attached by ClinVar (database versions not stated): gnomAD 0.00001; TOPMed 0.00001; gnomAD exomes below 0.00001.
gnomAD v4.1: 3 of 1,613,990 alleles (0.00019%); highest among the groups gnomAD compares: African/African-American, 0.0027%; no homozygotes.

Submissions (2):

Color Diagnostics, LLC DBA Color Health
Classification: Uncertain significance for Cardiac arrhythmia. Last evaluated: 2025-07-09. Review status: criteria provided, single submitter. Criteria: ACMG Guidelines, 2015. Collection method: clinical testing. Allele origin: germline.
Comment: This missense variant replaces lysine with threonine at codon 358 of the KCNQ1 protein. This variant is located within the conserved C-terminal cytoplasmic domain (a.a. 349-676) of the KCNQ1 protein. Rare non-truncating variants in this region have been shown to be significantly overrepresented in individuals with long QT syndrome (PMID: 32893267). Computational prediction suggests that this variant may have a deleterious impact on protein structure and function. To our knowledge, functional studies have not been reported for this variant. This variant has not been reported in individuals affected with KCNQ1-related disorders in the literature. This variant has not been identified in the general population by the Genome Aggregation Database (gnomAD). The available evidence is insufficient to determine the role of this variant in disease conclusively. Therefore, this variant is classified as a Variant of Uncertain Significance.

Ambry Genetics
Classification: Uncertain significance for Cardiovascular phenotype. Last evaluated: 2022-08-10. Review status: criteria provided, single submitter. Criteria: Ambry Variant Classification Scheme 2023. Collection method: clinical testing. Allele origin: germline.
Comment: The p.K358T variant (also known as c.1073A>C), located in coding exon 8 of the KCNQ1 gene, results from an A to C substitution at nucleotide position 1073. The lysine at codon 358 is replaced by threonine, an amino acid with similar properties. This amino acid position is highly conserved in available vertebrate species. In addition, this alteration is predicted to be deleterious by in silico analysis. Since supporting evidence is limited at this time, the clinical significance of this alteration remains unclear.

Literature cited by the submitters: PubMed 32893267 (cited by Color Diagnostics, LLC DBA Color Health).